The following is an entry in ClinVar:

ClinVar aggregate classification (germline): Uncertain significance. Review status: criteria provided, multiple submitters, no conflicts (2 of 4 stars). 2 submissions from 2 submitters: Uncertain significance (2). Last evaluated 2024-11-21.

Conditions:
Inborn genetic diseases. Identifiers: MedGen C0950123, MeSH D030342.

Allele frequency attached by ClinVar (database versions not stated): gnomAD 0.00002 and 0.00003; ExAC 0.00012.
gnomAD v4.1: 31 of 1,611,890 alleles (0.0019%); highest among the groups gnomAD compares: Admixed American, 0.037%; no homozygotes.

Submissions (2):

Ambry Genetics
Classification: Uncertain significance for Inborn genetic diseases. Last evaluated: 2024-11-21. Review status: criteria provided, single submitter. Criteria: Ambry Variant Classification Scheme 2023. Collection method: clinical testing. Allele origin: germline.

Labcorp Genetics (formerly Invitae), Labcorp
Classification: Uncertain significance. Last evaluated: 2024-05-20. Review status: criteria provided, single submitter. Criteria: Invitae Variant Classification Sherloc (09022015). Collection method: clinical testing. Allele origin: germline.
Comment: This sequence change replaces alanine, which is neutral and non-polar, with threonine, which is neutral and polar, at codon 460 of the SLC45A2 protein (p.Ala460Thr). This variant is present in population databases (rs756576808, gnomAD 0.04%). This variant has not been reported in the literature in individuals affected with SLC45A2-related conditions. ClinVar contains an entry for this variant (Variation ID: 1518724). Algorithms developed to predict the effect of missense changes on protein structure and function output the following: SIFT: "Not Available"; PolyPhen-2: "Benign"; Align-GVGD: "Not Available". The threonine amino acid residue is found in multiple mammalian species, which suggests that this missense change does not adversely affect protein function. In summary, the available evidence is currently insufficient to determine the role of this variant in disease. Therefore, it has been classified as a Variant of Uncertain Significance.

NM_016180.5(SLC45A2):c.1378G>A (p.Ala460Thr)

Gene: SLC45A2 (solute carrier family 45 member 2; minus strand). Cytogenetic location: 5p13.2.
Variant type: single nucleotide variant.
Coding change: c.1378G>A on transcript NM_016180.5 (MANE Select); coding-DNA position 1378, G replaced by A.
Protein change: p.Ala460Thr; replaces alanine 460 with threonine.
Molecular consequence: missense variant.
Genome position (GRCh38, 1-based): chr5:33,944,863, C>T on the plus strand (G>A on the coding strand, the complement: SLC45A2 is on the minus strand). VCF-style: chr5-33944863-C-T. GRCh37 (hg19) VCF-style: chr5-33944968-C-T.
Other names: c.1378G>A (NM_016180.3); short protein forms A460T.
Identifiers: ClinVar variation 1518724 (VCV001518724.5), dbSNP rs756576808, ClinGen allele CA3225467.